The following is an entry in ClinVar:

ClinVar aggregate classification (germline): Uncertain significance (1 of 4 stars; one submission).

Conditions:
Cone-rod dystrophy 6 (CORD6). Also called: RETINAL CONE DYSTROPHY 2; Cone dystrophy progressive. Identifiers: Orphanet 1872, MedGen C1866293, MONDO:0011143, OMIM 601777.
Leber congenital amaurosis 1 (LCA1). Also called: RETINAL BLINDNESS, CONGENITAL; Congenital absence of the rods and cones; Leber's congenital tapetoretinal degeneration; Leber's congenital tapetoretinal dysplasia; AMAUROSIS CONGENITA OF LEBER I. Identifiers: Orphanet 65, MedGen C2931258, MONDO:0008764, OMIM 204000.

Allele frequency attached by ClinVar (database versions not stated): gnomAD exomes below 0.00001; TOPMed below 0.00001.
gnomAD v4.1: 1 of 1,613,062 alleles (0.000062%); highest among the groups gnomAD compares: Non-Finnish European, 0.000085%; no homozygotes.

Submission:

Labcorp Genetics (formerly Invitae), Labcorp
Classification: Uncertain significance for Leber congenital amaurosis 1; Cone-rod dystrophy 6. Last evaluated: 2023-08-24. Review status: criteria provided, single submitter. Criteria: Invitae Variant Classification Sherloc (09022015). Collection method: clinical testing. Allele origin: germline.
Comment: This sequence change replaces leucine, which is neutral and non-polar, with proline, which is neutral and non-polar, at codon 251 of the GUCY2D protein (p.Leu251Pro). This variant is not present in population databases (gnomAD no frequency). In summary, the available evidence is currently insufficient to determine the role of this variant in disease. Therefore, it has been classified as a Variant of Uncertain Significance. Advanced modeling of protein sequence and biophysical properties (such as structural, functional, and spatial information, amino acid conservation, physicochemical variation, residue mobility, and thermodynamic stability) performed at Invitae indicates that this missense variant is not expected to disrupt GUCY2D protein function. ClinVar contains an entry for this variant (Variation ID: 645603). This missense change has been observed in individuals with Leber congenital amaurosis (PMID: 27375279; Invitae).

Literature cited by the submitters: PubMed 27375279.

NM_000180.4(GUCY2D):c.752T>C (p.Leu251Pro)

Gene: GUCY2D (guanylate cyclase 2D, retinal; plus strand). Cytogenetic location: 17p13.1.
Variant type: single nucleotide variant.
Coding change: c.752T>C on transcript NM_000180.4 (MANE Select); coding-DNA position 752, T replaced by C.
Protein change: p.Leu251Pro; replaces leucine 251 with proline.
Molecular consequence: missense variant.
Genome position (GRCh38, 1-based): chr17:8,003,882, T>C. VCF-style: chr17-8003882-T-C. GRCh37 (hg19) VCF-style: chr17-7907200-T-C.
Other names: short protein forms L251P.
Identifiers: ClinVar variation 645603 (VCV000645603.4), dbSNP rs1243270832, ClinGen allele CA397945084.